The following is an entry in ClinVar:

ClinVar aggregate classification (germline): Uncertain significance (1 of 4 stars; one submission).

gnomAD v4.1: 1 of 1,613,666 alleles (0.000062%); highest among the groups gnomAD compares: African/African-American, 0.0013%; no homozygotes.

Submission:

GeneDx
Classification: Uncertain significance. Last evaluated: 2023-07-07. Review status: criteria provided, single submitter. Criteria: GeneDx Variant Classification Process June 2021. Collection method: clinical testing. Allele origin: germline. Affected: yes.
Comment: Not observed at significant frequency in large population cohorts (gnomAD); In silico analysis supports that this missense variant has a deleterious effect on protein structure/function; Has not been previously published as pathogenic or benign to our knowledge

NM_001394062.1(MACF1):c.17107C>A (p.Pro5703Thr)

Gene: MACF1 (microtubule actin crosslinking factor 1; plus strand). Cytogenetic location: 1p34.3.
Variant type: single nucleotide variant.
Coding change: c.17107C>A on transcript NM_001394062.1 (MANE Select); coding-DNA position 17107, C replaced by A.
Protein change: p.Pro5703Thr; replaces proline 5703 with threonine.
Molecular consequence: missense variant.
Genome position (GRCh38, 1-based): chr1:39,430,045, C>A. VCF-style: chr1-39430045-C-A. GRCh37 (hg19) VCF-style: chr1-39895717-C-A.
Other names: c.5176C>A, p.Pro1726Thr (NM_001397473.1); c.10921C>A, p.Pro3641Thr (NM_012090.5); short protein forms P1726T, P3641T, P5703T.
Identifiers: ClinVar variation 3360884 (VCV003360884.1).